The following is an entry in ClinVar:

ClinVar aggregate classification (germline): Conflicting classifications of pathogenicity. Review status: criteria provided, conflicting classifications (1 of 4 stars). 2 submissions from 1 submitter: Uncertain significance (1); Likely benign (1). Last evaluated 2018-01-12.

Conditions:
Amyotrophic lateral sclerosis type 4 (ALS4). Also called: AMYOTROPHIC LATERAL SCLEROSIS 4, JUVENILE; NEURONOPATHY, DISTAL HEREDITARY MOTOR, WITH PYRAMIDAL FEATURES. Identifiers: Orphanet 357043, MedGen C1865409, MONDO:0011223, OMIM 602433.
Spinocerebellar ataxia, autosomal recessive, with axonal neuropathy 2 (SCAN2). Also called: ATAXIA-OCULOMOTOR APRAXIA 2; Ataxia-ocular apraxia-2; Ataxia with Oculomotor Apraxia; Ataxia with Oculomotor Apraxia Type 2. Identifiers: Orphanet 64753, MedGen C1853761, MONDO:0018996, OMIM 606002.

Allele frequency attached by ClinVar (database versions not stated): TOPMed 0.00139; 1000 Genomes Project 0.00140.
gnomAD v4.1: 249 of 529,778 alleles (0.047%); highest among the groups gnomAD compares: African/African-American, 0.43%; 1 homozygote.

Submissions (2):

Illumina Laboratory Services, Illumina
Classification: Likely benign for Amyotrophic lateral sclerosis type 4. Last evaluated: 2018-01-12. Review status: criteria provided, single submitter. Criteria: ICSL Variant Classification Criteria 13 December 2019. Collection method: clinical testing. Allele origin: germline.
Comment: This variant was observed in the ICSL laboratory as part of a predisposition screen in an ostensibly healthy population. It had not been previously curated by ICSL or reported in the Human Gene Mutation Database (HGMD: prior to June 1st, 2018), and was therefore a candidate for classification through an automated scoring system. Utilizing variant allele frequency, disease prevalence and penetrance estimates, and inheritance mode, an automated score was calculated to assess if this variant is too frequent to cause the disease. Based on the score and internal cut-off values, a variant classified as likely benign is not then subjected to further curation. The score for this variant resulted in a classification of likely benign for this disease.

Illumina Laboratory Services, Illumina
Classification: Uncertain significance for Spinocerebellar ataxia, autosomal recessive, with axonal neuropathy 2. Last evaluated: 2018-01-12. Review status: criteria provided, single submitter. Criteria: ICSL Variant Classification Criteria 13 December 2019. Collection method: clinical testing. Allele origin: germline.

NM_015046.7(SETX):c.*266A>G

Gene: SETX (senataxin; minus strand). Cytogenetic location: 9q34.13.
Variant type: single nucleotide variant.
Coding change: c.*266A>G on transcript NM_015046.7 (MANE Select); 266 bases downstream of the stop codon, A replaced by G.
Molecular consequence: 3 prime UTR variant.
Genome position (GRCh38, 1-based): chr9:132,263,973, T>C on the plus strand (A>G on the coding strand, the complement: SETX is on the minus strand). VCF-style: chr9-132263973-T-C. GRCh37 (hg19) VCF-style: chr9-135139360-T-C.
Other names: c.*266A>G (NM_001351527.2, NM_001351528.2).
Identifiers: ClinVar variation 365335 (VCV000365335.5), dbSNP rs575959163, ClinGen allele CA10626629.